The following is an entry in ClinVar:

NM_000334.4(SCN4A):c.1845+7A>C

Gene: SCN4A (sodium voltage-gated channel alpha subunit 4; minus strand). Cytogenetic location: 17q23.3.
Variant type: single nucleotide variant.
Coding change: c.1845+7A>C on transcript NM_000334.4 (MANE Select); 7 bases into the intron after coding-DNA position 1845, A replaced by C.
Molecular consequence: intron variant.
Genome position (GRCh38, 1-based): chr17:63,961,186, T>G on the plus strand (A>C on the coding strand, the complement: SCN4A is on the minus strand). VCF-style: chr17-63961186-T-G. GRCh37 (hg19) VCF-style: chr17-62038546-T-G.
Identifiers: ClinVar variation 324536 (VCV000324536.16), dbSNP rs141021600, ClinGen allele CA8709736.

ClinVar aggregate classification (germline): Conflicting classifications of pathogenicity. Review status: criteria provided, conflicting classifications (1 of 4 stars). 7 submissions from 3 submitters: Uncertain significance (1); Benign (4); Likely benign (1). 1 of the submissions does not count toward it. Last evaluated 2025-10-23.

Conditions:
SCN4A-related disorder. Also called: SCN4A-related disorders.
Congenital myasthenic syndrome 16. Identifiers: Orphanet 590, MedGen C3280112, MONDO:0013620, OMIM 614198.
Paramyotonia congenita of Von Eulenburg. Also called: Paramyotonia Congenita; PARALYSIS PERIODICA PARAMYOTONICA; Eulenburg disease; Myotonia congenita intermittens; Von Eulenburg paramyotonia congenita. Identifiers: Orphanet 684, MedGen C0221055, MONDO:0008195, OMIM 168300. Disease mechanism: loss of function.
Potassium-aggravated myotonia. Also called: Myotonia congenita, atypical, acetazolamide-responsive; MYOTONIA CONGENITA, ACETAZOLAMIDE-RESPONSIVE; MYOTONIA CONGENITA, ATYPICAL; SODIUM CHANNEL MUSCLE DISEASE. Identifiers: Orphanet 612, Orphanet 99734, Orphanet 99735, Orphanet 99736, MedGen C2931826, MONDO:0018959, OMIM 608390.
Hyperkalemic periodic paralysis. Also called: Familial hyperkalemic periodic paralysis; Gamstorp disease. Identifiers: Orphanet 682, MedGen C0238357, MONDO:0008224, OMIM 170500, HP:0007215.
Hypokalemic periodic paralysis, type 2 (HOKPP2). Identifiers: Orphanet 681, MedGen C2750061, MONDO:0013234, OMIM 613345.

Allele frequency attached by ClinVar (database versions not stated): gnomAD 0.00028 and 0.00085; 1000 Genomes Project 0.00140; gnomAD exomes 0.00105.
gnomAD v4.1: 418 of 420,586 alleles (0.099%); highest among the groups gnomAD compares: East Asian, 2.2%; 4 homozygotes.

Submissions (7):

Labcorp Genetics (formerly Invitae), Labcorp
Classification: Likely benign for Hyperkalemic periodic paralysis. Last evaluated: 2025-10-23. Review status: criteria provided, single submitter. Criteria: Invitae Variant Classification Sherloc (09022015). Collection method: clinical testing. Allele origin: germline.

Illumina Laboratory Services, Illumina
Classification: Uncertain significance for Congenital myasthenic syndrome 16. Last evaluated: 2018-01-13. Review status: criteria provided, single submitter. Criteria: ICSL Variant Classification Criteria 13 December 2019. Collection method: clinical testing. Allele origin: germline.

Illumina Laboratory Services, Illumina
Classification: Benign for Paramyotonia congenita of Von Eulenburg. Last evaluated: 2018-01-13. Review status: criteria provided, single submitter. Criteria: ICSL Variant Classification Criteria 13 December 2019. Collection method: clinical testing. Allele origin: germline.
Comment: This variant was observed in the ICSL laboratory as part of a predisposition screen in an ostensibly healthy population. It had not been previously curated by ICSL or reported in the Human Gene Mutation Database (HGMD: prior to June 1st, 2018), and was therefore a candidate for classification through an automated scoring system. Utilizing variant allele frequency, disease prevalence and penetrance estimates, and inheritance mode, an automated score was calculated to assess if this variant is too frequent to cause the disease. Based on the score and internal cut-off values, a variant classified as benign is not then subjected to further curation. The score for this variant resulted in a classification of benign for this disease.

Illumina Laboratory Services, Illumina
Classification: Benign for Hypokalemic periodic paralysis, type 2. Last evaluated: 2018-01-13. Review status: criteria provided, single submitter. Criteria: ICSL Variant Classification Criteria 13 December 2019. Collection method: clinical testing. Allele origin: germline.
Comment: the same text as in the submission from Illumina Laboratory Services, Illumina above.

Illumina Laboratory Services, Illumina
Classification: Benign for Potassium-aggravated myotonia. Last evaluated: 2018-01-13. Review status: criteria provided, single submitter. Criteria: ICSL Variant Classification Criteria 13 December 2019. Collection method: clinical testing. Allele origin: germline.
Comment: the same text as in the submission from Illumina Laboratory Services, Illumina above.

Illumina Laboratory Services, Illumina
Classification: Benign for Hyperkalemic periodic paralysis. Last evaluated: 2018-01-13. Review status: criteria provided, single submitter. Criteria: ICSL Variant Classification Criteria 13 December 2019. Collection method: clinical testing. Allele origin: germline.
Comment: the same text as in the submission from Illumina Laboratory Services, Illumina above.

PreventionGenetics, part of Exact Sciences
Classification: Likely benign for SCN4A-related condition. Last evaluated: 2019-12-16. Review status: no assertion criteria provided. Collection method: clinical testing. Allele origin: germline. Not counted in ClinVar's aggregate classification.
Comment: This variant is classified as likely benign based on ACMG/AMP sequence variant interpretation guidelines (Richards et al. 2015 PMID: 25741868, with internal and published modifications).